The following is an entry in ClinVar:

NM_002691.4(POLD1):c.3218+5G>A

Gene: POLD1 (DNA polymerase delta 1, catalytic subunit; plus strand). Cytogenetic location: 19q13.33.
Variant type: single nucleotide variant.
Coding change: c.3218+5G>A on transcript NM_002691.4 (MANE Select); 5 bases into the intron after coding-DNA position 3218, G replaced by A.
Molecular consequence: intron variant.
Genome position (GRCh38, 1-based): chr19:50,417,274, G>A. VCF-style: chr19-50417274-G-A. GRCh37 (hg19) VCF-style: chr19-50920531-G-A.
Other names: c.3218+5G>A (LRG_785t1, NM_001256849.1); c.3296+5G>A (LRG_785t2, NM_001308632.1).
Identifiers: ClinVar variation 239334 (VCV000239334.32), dbSNP rs569395274, ClinGen allele CA9596793.
Genomic context (GRCh38, chr19:50,417,274, plus strand): 5'-TGGACGCAGTGCCAGCGCTGCCAGGGCAGCCTGCACGAGGACGTCATCTGCACCAGGTGT[G>A]TGCCATGTCCCGACCCTGGGCTGCCCCGCCCCTTCCCAGCTCCCAGGCCTGTGGGTTGTG-3'

ClinVar aggregate classification (germline): Conflicting classifications of pathogenicity. Review status: criteria provided, conflicting classifications (1 of 4 stars). 8 submissions from 8 submitters: Uncertain significance (4); Benign (2); Likely benign (2). Last evaluated 2026-05-15.

Conditions:
Mandibular hypoplasia-deafness-progeroid syndrome. Also called: Mandibular hypoplasia, deafness, progeroid features, and lipodystrophy syndrome. Identifiers: Orphanet 363649, MedGen C3715192, MONDO:0014157, OMIM 615381.
POLD1-related disorder. Also called: POLD1-related condition; POLD1-related disorders.
Hereditary cancer-predisposing syndrome. Also called: Hereditary Cancer Syndrome; Neoplastic Syndromes, Hereditary; Hereditary neoplastic syndrome; Tumor predisposition. Identifiers: Orphanet 140162, MedGen C0027672, MeSH D009386, MONDO:0015356.
POLD1-related polyposis and colorectal cancer syndrome (CRCS10). Also called: COLORECTAL CANCER, SUSCEPTIBILITY TO, ON CHROMOSOME 19q; Colorectal cancer 10; Colorectal cancer, susceptibility to, 10. Identifiers: Orphanet 220460, MedGen C2675481, MONDO:0012953, OMIM 612591.

Allele frequency attached by ClinVar (database versions not stated): gnomAD exomes 0.00005 and 0.00020; gnomAD 0.00006 and 0.00009; TOPMed 0.00014; 1000 Genomes Project 0.00020; 1000 Genomes Project 30x 0.00031; ExAC 0.00032.
gnomAD v4.1: 80 of 1,583,452 alleles (0.0051%); highest among the groups gnomAD compares: East Asian, 0.14%; no homozygotes.

Submissions (8):

Women's Health and Genetics/Laboratory Corporation of America, LabCorp
Classification: Benign. Last evaluated: 2026-05-15. Review status: criteria provided, single submitter. Criteria: LabCorp Variant Classification Summary - May 2015. Collection method: clinical testing. Allele origin: germline.

Labcorp Genetics (formerly Invitae), Labcorp
Classification: Likely benign for POLD1-related polyposis and colorectal cancer syndrome. Last evaluated: 2026-02-03. Review status: criteria provided, single submitter. Criteria: Invitae Variant Classification Sherloc (09022015). Collection method: clinical testing. Allele origin: germline.

PreventionGenetics, part of Exact Sciences
Classification: Likely benign for POLD1-related condition. Last evaluated: 2026-01-13. Review status: criteria provided, single submitter. Criteria: ACMG Guidelines, 2015. Collection method: clinical testing. Allele origin: germline.
Comment: This variant is classified as likely benign based on ACMG/AMP sequence variant interpretation guidelines (Richards et al. 2015 PMID: 25741868, with internal and published modifications).

Ambry Genetics
Classification: Uncertain significance for Hereditary cancer-predisposing syndrome. Last evaluated: 2025-03-12. Review status: criteria provided, single submitter. Criteria: Ambry Variant Classification Scheme 2023. Collection method: clinical testing. Allele origin: germline.
Comment: The c.3218+5G>A intronic variant results from a G to A substitution 5 nucleotides after coding exon 25 in the POLD1 gene. This nucleotide position is not conserved on limited sequence alignment. In silico splice site analysis predicts that this alteration will result in the creation or strengthening of a novel splice donor site. Based on data from gnomAD, the frequency for this variant is above the maximum credible frequency for a disease-causing variant in this gene based on internally established thresholds (Karczewski et al. Nature. 2020 May;581(7809):434-443; Whiffin et al. Genet Med. 2017 10;19:1151-1158). Based on the available evidence, the clinical significance of this alteration remains unclear.

Center for Genomic Medicine, Rigshospitalet, Copenhagen University Hospital
Classification: Uncertain significance. Last evaluated: 2025-03-04. Review status: criteria provided, single submitter. Criteria: ACMG Guidelines, 2015. Collection method: clinical testing. Allele origin: germline.

GeneDx
Classification: Uncertain significance. Last evaluated: 2024-01-16. Review status: criteria provided, single submitter. Criteria: GeneDx Variant Classification Process June 2021. Collection method: clinical testing. Allele origin: germline. Affected: yes.
Comment: In silico analysis supports a deleterious effect on splicing; Observed in an individual with breast cancer (PMID: 32091409); This variant is associated with the following publications: (PMID: 32091409)

Department of Pathology and Laboratory Medicine, Sinai Health System
Classification: Uncertain significance for mandibular hypoplasia-deafness-progeroid syndrome. Last evaluated: 2020-08-13. Review status: criteria provided, single submitter. Criteria: ACMG Guidelines, 2015. Collection method: research. Allele origin: germline.

Quest Diagnostics Nichols Institute San Juan Capistrano
Classification: Benign. Last evaluated: 2019-03-21. Review status: criteria provided, single submitter. Criteria: Quest Diagnostics criteria. Collection method: clinical testing. Allele origin: germline.

Literature cited by the submitters: PubMed 32091409 (cited by Center for Genomic Medicine, Rigshospitalet, Copenhagen University Hospital).